The following is an entry in ClinVar:

ClinVar aggregate classification (germline): Uncertain significance. Review status: criteria provided, multiple submitters, no conflicts (2 of 4 stars). 3 submissions from 3 submitters: Uncertain significance (3). Last evaluated 2025-11-28.

Conditions:
Hereditary cancer-predisposing syndrome. Also called: Neoplastic Syndromes, Hereditary; Tumor predisposition; Hereditary Cancer Syndrome; Hereditary neoplastic syndrome. Identifiers: Orphanet 140162, MedGen C0027672, MeSH D009386, MONDO:0015356.
Tuberous sclerosis 2 (TSC2). Identifiers: Orphanet 805, MedGen C1860707, MONDO:0013199, OMIM 613254.

Submissions (3):

Labcorp Genetics (formerly Invitae), Labcorp
Classification: Uncertain significance for Tuberous sclerosis 2. Last evaluated: 2025-11-28. Review status: criteria provided, single submitter. Criteria: Invitae Variant Classification Sherloc (09022015). Collection method: clinical testing. Allele origin: germline.
Comment: This sequence change replaces threonine, which is neutral and polar, with methionine, which is neutral and non-polar, at codon 1023 of the TSC2 protein (p.Thr1023Met). This variant is not present in population databases (gnomAD no frequency). This variant has not been reported in the literature in individuals affected with TSC2-related conditions. ClinVar contains an entry for this variant (Variation ID: 535959). Invitae Evidence Modeling of protein sequence and biophysical properties (such as structural, functional, and spatial information, amino acid conservation, physicochemical variation, residue mobility, and thermodynamic stability) indicates that this missense variant is not expected to disrupt TSC2 protein function with a negative predictive value of 95%. In summary, the available evidence is currently insufficient to determine the role of this variant in disease. Therefore, it has been classified as a Variant of Uncertain Significance.

Ambry Genetics
Classification: Uncertain significance for Hereditary cancer-predisposing syndrome. Last evaluated: 2024-01-29. Review status: criteria provided, single submitter. Criteria: Ambry Variant Classification Scheme 2023. Collection method: clinical testing. Allele origin: germline.
Comment: The p.T1023M variant (also known as c.3068C>T), located in coding exon 26 of the TSC2 gene, results from a C to T substitution at nucleotide position 3068. The threonine at codon 1023 is replaced by methionine, an amino acid with similar properties. This amino acid position is highly conserved in available vertebrate species. In addition, this alteration is predicted to be deleterious by in silico analysis. Since supporting evidence is limited at this time, the clinical significance of this alteration remains unclear.

Genome-Nilou Lab
Classification: Uncertain significance for Tuberous sclerosis 2. Last evaluated: 2021-11-07. Review status: criteria provided, single submitter. Criteria: ACMG Guidelines, 2015. Collection method: clinical testing. Allele origin: germline. Affected: no.

NM_000548.5(TSC2):c.3068C>T (p.Thr1023Met)

Gene: TSC2 (TSC complex subunit 2; plus strand). Cytogenetic location: 16p13.3.
Variant type: single nucleotide variant.
Coding change: c.3068C>T on transcript NM_000548.5 (MANE Select); coding-DNA position 3068, C replaced by T.
Protein change: p.Thr1023Met; replaces threonine 1023 with methionine.
Molecular consequence: missense variant.
Genome position (GRCh38, 1-based): chr16:2,079,133, C>T. VCF-style: chr16-2079133-C-T. GRCh37 (hg19) VCF-style: chr16-2129134-C-T.
Other names: c.2936C>T, p.Thr979Met (NM_001077183.3, NM_001370404.1); c.3068C>T, p.Thr1023Met (NM_001114382.3); c.2828C>T, p.Thr943Met (NM_001318827.2); c.2792C>T, p.Thr931Met (NM_001318829.2); c.2336C>T, p.Thr779Met (NM_001318831.2); c.2969C>T, p.Thr990Met (NM_001318832.2); c.2939C>T, p.Thr980Met (NM_001363528.2, NM_001370405.1, NM_021055.3); short protein forms T1023M, T931M, T943M, T979M, T980M, T779M, T990M.
Identifiers: ClinVar variation 535959 (VCV000535959.18), dbSNP rs1555510327, ClinGen allele CA394284491.